The following is an entry in ClinVar:

ClinVar aggregate classification (germline): Uncertain significance. Review status: criteria provided, multiple submitters, no conflicts (2 of 4 stars). 2 submissions from 2 submitters: Uncertain significance (2). Last evaluated 2025-05-29.

Allele frequency attached by ClinVar (database versions not stated): TOPMed below 0.00001; gnomAD 0.00001; gnomAD exomes 0.00001; ExAC 0.00002.
gnomAD v4.1: 18 of 1,600,072 alleles (0.0011%); highest among the groups gnomAD compares: South Asian, 0.0044%; 1 homozygote.

Submissions (2):

Labcorp Genetics (formerly Invitae), Labcorp
Classification: Uncertain significance. Last evaluated: 2025-05-29. Review status: criteria provided, single submitter. Criteria: Invitae Variant Classification Sherloc (09022015). Collection method: clinical testing. Allele origin: germline.
Comment: This sequence change affects codon 235 of the SAMD11 mRNA. It is a 'silent' change, meaning that it does not change the encoded amino acid sequence of the SAMD11 protein. It affects a nucleotide within the consensus splice site. This variant is present in population databases (rs746798748, gnomAD 0.007%). This variant has not been reported in the literature in individuals affected with SAMD11-related conditions. ClinVar contains an entry for this variant (Variation ID: 1384590). Algorithms developed to predict the effect of sequence changes on RNA splicing suggest that this variant is not likely to affect RNA splicing. In summary, the available evidence is currently insufficient to determine the role of this variant in disease. Therefore, it has been classified as a Variant of Uncertain Significance.

Blueprint Genetics
Classification: Uncertain significance. Last evaluated: 2019-05-19. Review status: criteria provided, single submitter. Criteria: ACMG Guidelines, 2015. Collection method: clinical testing. Allele origin: germline.

NM_001385641.1(SAMD11):c.1195+47C>T

Gene: SAMD11 (sterile alpha motif domain containing 11; plus strand). Cytogenetic location: 1p36.33.
Variant type: single nucleotide variant.
Coding change: c.1195+47C>T on transcript NM_001385641.1 (MANE Select); 47 bases into the intron after coding-DNA position 1195, C replaced by T.
Molecular consequence: intron variant. On other transcripts: synonymous variant (1).
Genome position (GRCh38, 1-based): chr1:939,459, C>T. VCF-style: chr1-939459-C-T. GRCh37 (hg19) VCF-style: chr1-874839-C-T.
Other names: c.705C>T, p.His235= (NM_152486.4); c.1198+47C>T (NM_001385640.1).
Identifiers: ClinVar variation 1384590 (VCV001384590.9), dbSNP rs746798748, ClinGen allele CA502749.